The following is an entry in ClinVar:

NM_001160372.4(TRAPPC9):c.80C>G (p.Ser27Cys)

Gene: TRAPPC9 (trafficking protein particle complex subunit 9; minus strand). Cytogenetic location: 8q24.3.
Variant type: single nucleotide variant.
Coding change: c.80C>G on transcript NM_001160372.4 (MANE Select); coding-DNA position 80, C replaced by G.
Protein change: p.Ser27Cys; replaces serine 27 with cysteine.
Molecular consequence: missense variant. On other transcripts: non-coding transcript variant (1).
Genome position (GRCh38, 1-based): chr8:140,451,294, G>C on the plus strand (C>G on the coding strand, the complement: TRAPPC9 is on the minus strand). VCF-style: chr8-140451294-G-C. GRCh37 (hg19) VCF-style: chr8-141461393-G-C.
Other names: c.80C>G, p.Ser27Cys (NM_001321646.2, NM_001374682.1, NM_001374683.1 and 2 more transcripts); short protein forms S27C.
Identifiers: ClinVar variation 1421550 (VCV001421550.7), dbSNP rs1266486546, ClinGen allele CA372319998.

ClinVar aggregate classification (germline): Uncertain significance (1 of 4 stars; one submission).

Allele frequency attached by ClinVar (database versions not stated): gnomAD 0.00001; TOPMed 0.00001.
gnomAD v4.1: 2 of 1,609,938 alleles (0.00012%); highest among the groups gnomAD compares: African/African-American, 0.0027%; no homozygotes.

Submission:

Labcorp Genetics (formerly Invitae), Labcorp
Classification: Uncertain significance. Last evaluated: 2025-01-13. Review status: criteria provided, single submitter. Criteria: Invitae Variant Classification Sherloc (09022015). Collection method: clinical testing. Allele origin: germline.
Comment: This sequence change replaces serine, which is neutral and polar, with cysteine, which is neutral and slightly polar, at codon 125 of the TRAPPC9 protein (p.Ser125Cys). This variant is not present in population databases (gnomAD no frequency). This variant has not been reported in the literature in individuals affected with TRAPPC9-related conditions. ClinVar contains an entry for this variant (Variation ID: 1421550). An algorithm developed to predict the effect of missense changes on protein structure and function (PolyPhen-2) suggests that this variant is likely to be disruptive. In summary, the available evidence is currently insufficient to determine the role of this variant in disease. Therefore, it has been classified as a Variant of Uncertain Significance.